The following is an entry in ClinVar:

NM_003114.5(SPAG1):c.1960A>G (p.Asn654Asp)

Gene: SPAG1 (sperm associated antigen 1; plus strand). Cytogenetic location: 8q22.2.
Variant type: single nucleotide variant.
Coding change: c.1960A>G on transcript NM_003114.5 (MANE Select); coding-DNA position 1960, A replaced by G.
Protein change: p.Asn654Asp; replaces asparagine 654 with aspartic acid.
Molecular consequence: missense variant.
Genome position (GRCh38, 1-based): chr8:100,231,260, A>G. VCF-style: chr8-100231260-A-G. GRCh37 (hg19) VCF-style: chr8-101243488-A-G.
Other names: c.1960A>G, p.Asn654Asp (NM_001374321.1, NM_172218.3); short protein forms N654D.
Identifiers: ClinVar variation 1010513 (VCV001010513.10), dbSNP rs1818756163, ClinGen allele CA371815380.

ClinVar aggregate classification (germline): Uncertain significance. Review status: criteria provided, multiple submitters, no conflicts (2 of 4 stars). 2 submissions from 2 submitters: Uncertain significance (2). Last evaluated 2022-07-12.

Conditions:
Primary ciliary dyskinesia 28. Also called: CILIARY DYSKINESIA, PRIMARY, 28, WITH OR WITHOUT SITUS INVERSUS. Identifiers: Orphanet 244, MedGen C3809706, MONDO:0014216, OMIM 615505.

Submissions (2):

Labcorp Genetics (formerly Invitae), Labcorp
Classification: Uncertain significance for Primary ciliary dyskinesia 28. Last evaluated: 2022-07-12. Review status: criteria provided, single submitter. Criteria: Invitae Variant Classification Sherloc (09022015). Collection method: clinical testing. Allele origin: germline.
Comment: Algorithms developed to predict the effect of missense changes on protein structure and function output the following: SIFT: "Tolerated"; PolyPhen-2: "Benign"; Align-GVGD: "Class C0". The aspartic acid amino acid residue is found in multiple mammalian species, which suggests that this missense change does not adversely affect protein function. In summary, the available evidence is currently insufficient to determine the role of this variant in disease. Therefore, it has been classified as a Variant of Uncertain Significance. ClinVar contains an entry for this variant (Variation ID: 1010513). This variant has not been reported in the literature in individuals affected with SPAG1-related conditions. This variant is not present in population databases (gnomAD no frequency). This sequence change replaces asparagine, which is neutral and polar, with aspartic acid, which is acidic and polar, at codon 654 of the SPAG1 protein (p.Asn654Asp).

GeneDx
Classification: Uncertain significance. Last evaluated: 2022-04-29. Review status: criteria provided, single submitter. Criteria: GeneDx Variant Classification Process June 2021. Collection method: clinical testing. Allele origin: germline. Affected: yes.
Comment: Not observed at significant frequency in large population cohorts (gnomAD); In silico analysis supports that this missense variant does not alter protein structure/function; Has not been previously published as pathogenic or benign to our knowledge